The following is an entry in ClinVar:

ClinVar aggregate classification (germline): Uncertain significance. Review status: criteria provided, multiple submitters, no conflicts (2 of 4 stars). 3 submissions from 3 submitters: Uncertain significance (3). Last evaluated 2025-09-02.

Conditions:
Inborn genetic diseases. Identifiers: MedGen C0950123, MeSH D030342.

Allele frequency attached by ClinVar (database versions not stated): gnomAD exomes 0.00008 and 0.00004; ExAC 0.00015; ESP Exome Variant Server 0.00022; TOPMed 0.00022.
gnomAD v4.1: 85 of 1,550,694 alleles (0.0055%); highest among the groups gnomAD compares: African/African-American, 0.048%; no homozygotes.

Submissions (3):

GeneDx
Classification: Uncertain significance. Last evaluated: 2025-09-02. Review status: criteria provided, single submitter. Criteria: GeneDx Variant Classification Process June 2021. Collection method: clinical testing. Allele origin: germline. Affected: yes.
Comment: In silico analysis supports that this missense variant has a deleterious effect on protein structure/function; Has not been previously published as pathogenic or benign to our knowledge

Labcorp Genetics (formerly Invitae), Labcorp
Classification: Uncertain significance. Last evaluated: 2025-09-02. Review status: criteria provided, single submitter. Criteria: Invitae Variant Classification Sherloc (09022015). Collection method: clinical testing. Allele origin: germline.
Comment: This sequence change replaces arginine, which is basic and polar, with cysteine, which is neutral and slightly polar, at codon 266 of the LRTOMT protein (p.Arg266Cys). This variant is present in population databases (rs368590279, gnomAD 0.09%). This variant has not been reported in the literature in individuals affected with LRTOMT-related conditions. ClinVar contains an entry for this variant (Variation ID: 1328739). Invitae Evidence Modeling of protein sequence and biophysical properties (such as structural, functional, and spatial information, amino acid conservation, physicochemical variation, residue mobility, and thermodynamic stability) indicates that this missense variant is not expected to disrupt LRTOMT protein function with a negative predictive value of 80%. In summary, the available evidence is currently insufficient to determine the role of this variant in disease. Therefore, it has been classified as a Variant of Uncertain Significance.

Ambry Genetics
Classification: Uncertain significance for Inborn genetic diseases. Last evaluated: 2024-03-04. Review status: criteria provided, single submitter. Criteria: Ambry Variant Classification Scheme 2023. Collection method: clinical testing. Allele origin: germline.

NM_001145308.5(LRTOMT):c.796C>T (p.Arg266Cys)

Genes: ANAPC15 (anaphase promoting complex subunit 15; minus strand), LRTOMT (leucine rich transmembrane and O-methyltransferase domain containing; plus strand), TOMT (transmembrane O-methyltransferase; plus strand). Cytogenetic location: 11q13.4.
Variant type: single nucleotide variant.
Coding change: c.796C>T on transcript NM_001145308.5; coding-DNA position 796, C replaced by T.
Protein change: p.Arg266Cys; replaces arginine 266 with cysteine.
Molecular consequence: missense variant. On other transcripts: non-coding transcript variant (1), intron variant (7).
Genome position (GRCh38, 1-based): chr11:72,108,845, C>T. VCF-style: chr11-72108845-C-T. GRCh37 (hg19) VCF-style: chr11-71819891-C-T.
Other names: c.349G>A, p.Gly117Ser (NM_001393443.1, NM_001393444.1, NM_001393445.1); c.64-1240G>A (NM_001393459.1); c.319-1240G>A (NM_001393430.1, NM_001393429.1, NM_001393428.1 and 3 more transcripts); c.697C>T, p.Arg233Cys (NM_001393500.2); c.796C>T, p.Arg266Cys (NM_001145309.4); c.676C>T, p.Arg226Cys (NM_001145310.4); short protein forms G117S, R226C, R233C, R266C.
Identifiers: ClinVar variation 1328739 (VCV001328739.8), dbSNP rs368590279, ClinGen allele CA6168644.
Genomic context (GRCh38, chr11:72,108,845, plus strand): 5'-CTCTTCCCTGGTGCACCCCGCTTCTTGCAGTATGCTAAGAGCTGTGGCCGCTACCGCTGC[C>T]GCCTCCACCACACTGGCCTTCCAGACTTCCCTGCCATCAAGGATGGAATAGCTCAGCTCA-3'